The following is an entry in ClinVar:

NM_000051.4(ATM):c.151C>T (p.Gln51Ter)

Gene: ATM (ATM serine/threonine kinase; plus strand). Cytogenetic location: 11q22.3.
Variant type: single nucleotide variant.
Coding change: c.151C>T on transcript NM_000051.4 (MANE Select); coding-DNA position 151, C replaced by T.
Protein change: p.Gln51Ter; replaces glutamine 51 with a stop codon.
Molecular consequence: nonsense.
Genome position (GRCh38, 1-based): chr11:108,227,854, C>T. VCF-style: chr11-108227854-C-T. GRCh37 (hg19) VCF-style: chr11-108098581-C-T.
Other names: c.151C>T, p.Gln51Ter (NM_001351834.2, NM_001351835.2, NM_001351836.2); short protein forms Q51*.
Identifiers: ClinVar variation 187642 (VCV000187642.14), dbSNP rs786203888, ClinGen allele CA198174.

ClinVar aggregate classification (germline): Pathogenic. Review status: criteria provided, multiple submitters, no conflicts (2 of 4 stars). 3 submissions from 3 submitters: Pathogenic (3). Last evaluated 2025-05-26.

Conditions:
Familial cancer of breast. Also called: BREAST CANCER, FAMILIAL; Hereditary breast cancer; hereditary breast carcinoma. Identifiers: Orphanet 227535, MedGen C0346153, MONDO:0016419, OMIM 114480. Disease mechanism: loss of function.
Hereditary cancer-predisposing syndrome. Also called: Hereditary Cancer Syndrome; Neoplastic Syndromes, Hereditary; Tumor predisposition; Hereditary neoplastic syndrome. Identifiers: Orphanet 140162, MedGen C0027672, MeSH D009386, MONDO:0015356.
Ataxia-telangiectasia syndrome (AT). Also called: Ataxia-telangiectasia, complementation group D; AT, COMPLEMENTATION GROUP C; ATAXIA-TELANGIECTASIA, COMPLEMENTATION GROUP A; ATAXIA-TELANGIECTASIA, FRESNO VARIANT; Ataxia-telangiectasia; LOUIS-BAR SYNDROME. Identifiers: Orphanet 100, MedGen C0004135, MONDO:0008840, OMIM 208900.

Allele frequency attached by ClinVar (database versions not stated): gnomAD exomes below 0.00001.
gnomAD v4.1: 1 of 1,613,274 alleles (0.000062%); highest among the groups gnomAD compares: Non-Finnish European, 0.000085%; no homozygotes.

Submissions (3):

Labcorp Genetics (formerly Invitae), Labcorp
Classification: Pathogenic for Ataxia-telangiectasia syndrome. Last evaluated: 2025-05-26. Review status: criteria provided, single submitter. Criteria: Invitae Variant Classification Sherloc (09022015). Collection method: clinical testing. Allele origin: germline.
Comment: This sequence change creates a premature translational stop signal (p.Gln51*) in the ATM gene. It is expected to result in an absent or disrupted protein product. Loss-of-function variants in ATM are known to be pathogenic (PMID: 23807571, 25614872). This variant is not present in population databases (gnomAD no frequency). This variant has not been reported in the literature in individuals affected with ATM-related conditions. ClinVar contains an entry for this variant (Variation ID: 187642). For these reasons, this variant has been classified as Pathogenic.

Ambry Genetics
Classification: Pathogenic for Hereditary cancer-predisposing syndrome. Last evaluated: 2024-11-06. Review status: criteria provided, single submitter. Criteria: Ambry Variant Classification Scheme 2023. Collection method: clinical testing. Allele origin: germline.
Comment: The p.Q51* pathogenic mutation (also known as c.151C>T), located in coding exon 2 of the ATM gene, results from a C to T substitution at nucleotide position 151. This changes the amino acid from a glutamine to a stop codon within coding exon 2. This variant is considered to be rare based on population cohorts in the Genome Aggregation Database (gnomAD). This alteration is expected to result in loss of function by premature protein truncation or nonsense-mediated mRNA decay. As such, this alteration is interpreted as a disease-causing mutation.

Myriad Genetics, Inc.
Classification: Pathogenic for Familial cancer of breast. Last evaluated: 2024-01-05. Review status: criteria provided, single submitter. Criteria: Myriad Autosomal Dominant, Autosomal Recessive and X-Linked Classification Criteria (2023). Collection method: clinical testing. Allele origin: unknown.
Comment: This variant is considered pathogenic. This variant creates a termination codon and is predicted to result in premature protein truncation.

Literature cited by the submitters: PubMed 23807571 (cited by Labcorp Genetics (formerly Invitae), Labcorp); PubMed 25614872 (cited by Labcorp Genetics (formerly Invitae), Labcorp).